The following is an entry in ClinVar:

ClinVar aggregate classification (germline): Likely benign (1 of 4 stars; one submission).

Allele frequency attached by ClinVar (database versions not stated): 1000 Genomes Project 30x 0.00219; 1000 Genomes Project 0.00220; gnomAD 0.00374; TOPMed 0.00383; ESP Exome Variant Server 0.00408; gnomAD exomes 0.00562; ExAC 0.00590.
gnomAD v4.1: 8,755 of 1,614,092 alleles (0.54%); highest among the groups gnomAD compares: Non-Finnish European, 0.59%; 29 homozygotes.

Submission:

CeGaT Center for Human Genetics Tuebingen
Classification: Likely benign. Last evaluated: 2023-04-01. Review status: criteria provided, single submitter. Criteria: CeGaT Center For Human Genetics Tuebingen Variant Classification Criteria Version 2. Collection method: clinical testing. Allele origin: germline. Affected: yes. Observed: 1 variant allele.
Comment: PLEKHG1: BP4, BP7, BS2

NM_001029884.3(PLEKHG1):c.1983T>C (p.Tyr661=)

Gene: PLEKHG1 (pleckstrin homology and RhoGEF domain containing G1; plus strand). Cytogenetic location: 6q25.1.
Variant type: single nucleotide variant.
Coding change: c.1983T>C on transcript NM_001029884.3 (MANE Select); coding-DNA position 1983, T replaced by C.
Protein change: p.Tyr661=; no amino-acid change (tyrosine 661 retained).
Molecular consequence: synonymous variant. On other transcripts: intron variant (3).
Genome position (GRCh38, 1-based): chr6:150,831,094, T>C. VCF-style: chr6-150831094-T-C. GRCh37 (hg19) VCF-style: chr6-151152230-T-C.
Other names: c.2160T>C, p.Tyr720= (NM_001329798.2); c.2103T>C, p.Tyr701= (NM_001329799.2); c.1983T>C, p.Tyr661= (NM_001329800.2, NM_001329801.2); c.1944T>C, p.Tyr648= (NM_001329802.2); c.1866T>C, p.Tyr622= (NM_001329803.2); c.1616+367T>C (NM_001329804.2, NM_001329805.2, NM_001329806.2).
Identifiers: ClinVar variation 2656996 (VCV002656996.24), dbSNP rs143818607, ClinGen allele CA4047871.